The following is an entry in ClinVar:

NM_012062.5(DNM1L):c.508A>G (p.Ile170Val)

Gene: DNM1L (dynamin 1 like; plus strand). Cytogenetic location: 12p11.21.
Variant type: single nucleotide variant.
Coding change: c.508A>G on transcript NM_012062.5 (MANE Select); coding-DNA position 508, A replaced by G.
Protein change: p.Ile170Val; replaces isoleucine 170 with valine.
Molecular consequence: missense variant. On other transcripts: intron variant (1).
Genome position (GRCh38, 1-based): chr12:32,713,260, A>G. VCF-style: chr12-32713260-A-G. GRCh37 (hg19) VCF-style: chr12-32866194-A-G.
Other names: c.508A>G, p.Ile170Val (NM_001278463.2, NM_005690.5, NM_012063.4); c.547A>G, p.Ile183Val (NM_001278464.2, NM_001278465.2, NM_001330380.2); c.131+5847A>G (NM_001278466.2); short protein forms I170V, I183V.
Identifiers: ClinVar variation 1410918 (VCV001410918.8), dbSNP rs1792476402, ClinGen allele CA384367407.

ClinVar aggregate classification (germline): Uncertain significance (1 of 4 stars; one submission).

Submission:

Labcorp Genetics (formerly Invitae), Labcorp
Classification: Uncertain significance. Last evaluated: 2021-06-24. Review status: criteria provided, single submitter. Criteria: Invitae Variant Classification Sherloc (09022015). Collection method: clinical testing. Allele origin: germline.
Comment: In summary, the available evidence is currently insufficient to determine the role of this variant in disease. Therefore, it has been classified as a Variant of Uncertain Significance. Algorithms developed to predict the effect of missense changes on protein structure and function (SIFT, PolyPhen-2, Align-GVGD) all suggest that this variant is likely to be tolerated, but these predictions have not been confirmed by published functional studies and their clinical significance is uncertain. This variant has not been reported in the literature in individuals with DNM1L-related conditions. This variant is not present in population databases (ExAC no frequency). This sequence change replaces isoleucine with valine at codon 170 of the DNM1L protein (p.Ile170Val). The isoleucine residue is highly conserved and there is a small physicochemical difference between isoleucine and valine.